The following is an entry in ClinVar:

NM_006231.4(POLE):c.6319T>C (p.Tyr2107His)

Gene: POLE (DNA polymerase epsilon, catalytic subunit; minus strand). Cytogenetic location: 12q24.33.
Variant type: single nucleotide variant.
Coding change: c.6319T>C on transcript NM_006231.4 (MANE Select); coding-DNA position 6319, T replaced by C.
Protein change: p.Tyr2107His; replaces tyrosine 2107 with histidine.
Molecular consequence: missense variant.
Genome position (GRCh38, 1-based): chr12:132,632,326, A>G on the plus strand (T>C on the coding strand, the complement: POLE is on the minus strand). VCF-style: chr12-132632326-A-G. GRCh37 (hg19) VCF-style: chr12-133208912-A-G.
Other names: p.Tyr2107His; short protein forms Y2107H.
Identifiers: ClinVar variation 4141110 (VCV004141110.2).

ClinVar aggregate classification (germline): Uncertain significance. Review status: criteria provided, multiple submitters, no conflicts (2 of 4 stars). 2 submissions from 2 submitters: Uncertain significance (2). Last evaluated 2025-08-11.

Conditions:
Hereditary cancer-predisposing syndrome. Also called: Hereditary neoplastic syndrome; Neoplastic Syndromes, Hereditary; Tumor predisposition; Hereditary Cancer Syndrome. Identifiers: Orphanet 140162, MedGen C0027672, MeSH D009386, MONDO:0015356.

gnomAD v4.1: 27 of 1,613,782 alleles (0.0017%); no homozygotes.

Submissions (2):

Ambry Genetics
Classification: Uncertain significance for Hereditary cancer-predisposing syndrome. Last evaluated: 2025-08-11. Review status: criteria provided, single submitter. Criteria: Ambry Variant Classification Scheme 2023. Collection method: clinical testing. Allele origin: germline.
Comment: The p.Y2107H variant (also known as c.6319T>C), located in coding exon 45 of the POLE gene, results from a T to C substitution at nucleotide position 6319. The tyrosine at codon 2107 is replaced by histidine, an amino acid with similar properties. This amino acid position is well conserved in available vertebrate species. In addition, this alteration is predicted to be tolerated by in silico analysis. Based on the available evidence, the clinical significance of this variant remains unclear.

Mayo Clinic Laboratories, Mayo Clinic
Classification: Uncertain significance. Last evaluated: 2025-04-22. Review status: criteria provided, single submitter. Criteria: ACMG Guidelines, 2015. Collection method: clinical testing. Allele origin: germline. Observed: 1 variant allele.
Comment: BP4